The following is an entry in ClinVar:

ClinVar aggregate classification (germline): Uncertain significance. Review status: criteria provided, multiple submitters, no conflicts (2 of 4 stars). 2 submissions from 2 submitters: Uncertain significance (2). Last evaluated 2025-09-10.

Allele frequency attached by ClinVar (database versions not stated): gnomAD 0.00001; gnomAD exomes 0.00001; ExAC 0.00002; 1000 Genomes Project 30x 0.00016; 1000 Genomes Project 0.00020.
gnomAD v4.1: 13 of 1,614,056 alleles (0.00081%); highest among the groups gnomAD compares: South Asian, 0.0033%; no homozygotes.

Submissions (2):

Ambry Genetics
Classification: Uncertain significance. Last evaluated: 2025-09-10. Review status: criteria provided, single submitter. Criteria: Ambry Variant Classification Scheme 2023. Collection method: clinical testing. Allele origin: germline.

Labcorp Genetics (formerly Invitae), Labcorp
Classification: Uncertain significance. Last evaluated: 2022-08-09. Review status: criteria provided, single submitter. Criteria: Invitae Variant Classification Sherloc (09022015). Collection method: clinical testing. Allele origin: germline.
Comment: In summary, the available evidence is currently insufficient to determine the role of this variant in disease. Therefore, it has been classified as a Variant of Uncertain Significance. Algorithms developed to predict the effect of missense changes on protein structure and function (SIFT, PolyPhen-2, Align-GVGD) all suggest that this variant is likely to be tolerated. This variant has not been reported in the literature in individuals affected with AGAP1-related conditions. This variant is present in population databases (rs552995872, gnomAD 0.006%). This sequence change replaces valine, which is neutral and non-polar, with isoleucine, which is neutral and non-polar, at codon 282 of the AGAP1 protein (p.Val282Ile).

NM_001037131.3(AGAP1):c.844G>A (p.Val282Ile)

Gene: AGAP1 (ArfGAP with GTPase domain, ankyrin repeat and PH domain 1; plus strand). Cytogenetic location: 2q37.2.
Variant type: single nucleotide variant.
Coding change: c.844G>A on transcript NM_001037131.3 (MANE Select); coding-DNA position 844, G replaced by A.
Protein change: p.Val282Ile; replaces valine 282 with isoleucine.
Molecular consequence: missense variant.
Genome position (GRCh38, 1-based): chr2:235,799,409, G>A. VCF-style: chr2-235799409-G-A. GRCh37 (hg19) VCF-style: chr2-236708053-G-A.
Other names: c.844G>A, p.Val282Ile (NM_001244888.2, NM_001412122.1, NM_014914.5); c.844G>A (NM_001037131.2); short protein forms V282I.
Identifiers: ClinVar variation 2055428 (VCV002055428.5), dbSNP rs552995872, ClinGen allele CA2184593.